The following is an entry in ClinVar:

ClinVar aggregate classification (germline): Likely benign. Review status: criteria provided, multiple submitters, no conflicts (2 of 4 stars). 4 submissions from 4 submitters: Likely benign (4). Last evaluated 2026-01-19.

Allele frequency attached by ClinVar (database versions not stated): 1000 Genomes Project 0.00040; 1000 Genomes Project 30x 0.00047; ExAC 0.00075; gnomAD exomes 0.00128 and 0.00255; TOPMed 0.00155; gnomAD 0.00159 and 0.00166; ESP Exome Variant Server 0.00204.
gnomAD v4.1: 3,725 of 1,544,008 alleles (0.24%); highest among the groups gnomAD compares: Non-Finnish European, 0.31%; 8 homozygotes.

Submissions (4):

Labcorp Genetics (formerly Invitae), Labcorp
Classification: Likely benign. Last evaluated: 2026-01-19. Review status: criteria provided, single submitter. Criteria: Invitae Variant Classification Sherloc (09022015). Collection method: clinical testing. Allele origin: germline.

CeGaT Center for Human Genetics Tuebingen
Classification: Likely benign. Last evaluated: 2025-02-01. Review status: criteria provided, single submitter. Criteria: CeGaT Center For Human Genetics Tuebingen Variant Classification Criteria Version 2. Collection method: clinical testing. Allele origin: germline. Affected: yes. Observed: 6 variant alleles.
Comment: LAMA5: BP4, BP7

Blueprint Genetics
Classification: Likely benign. Last evaluated: 2024-10-07. Review status: criteria provided, single submitter. Criteria: ACMG Guidelines, 2015. Collection method: clinical testing. Allele origin: germline.

Breakthrough Genomics
Classification: Likely benign. Review status: criteria provided, single submitter. Criteria: ACMG Guidelines, 2015. Collection method: not provided. Allele origin: germline. Inheritance: Autosomal recessive inheritance. Affected: yes.

NM_005560.6(LAMA5):c.6762C>T (p.Ala2254=)

Gene: LAMA5 (laminin subunit alpha 5; minus strand). Cytogenetic location: 20q13.33.
Variant type: single nucleotide variant.
Coding change: c.6762C>T on transcript NM_005560.6 (MANE Select); coding-DNA position 6762, C replaced by T.
Protein change: p.Ala2254=; no amino-acid change (alanine 2254 retained).
Molecular consequence: synonymous variant.
Genome position (GRCh38, 1-based): chr20:62,319,793, G>A on the plus strand (C>T on the coding strand, the complement: LAMA5 is on the minus strand). VCF-style: chr20-62319793-G-A. GRCh37 (hg19) VCF-style: chr20-60894849-G-A.
Identifiers: ClinVar variation 719305 (VCV000719305.33), dbSNP rs199975267, ClinGen allele CA9941557.
Genomic context (GRCh38, chr20:62,319,793, plus strand): 5'-ATGGCCCAGTGTGGCCTCGGTGCCGGCCAGCAATTGGCTCGCCTGGTCTCGGGTCCCCAC[G>A]GCCTGTGGAGGAAGAGCCCACTAGCCCACGCTGCTGGTAGGCGAGGGTCGGGGTGGCAAG-3'
Protein context (NP_005551.3, residues 2244-2264): GQDARRLGGQ[Ala2254=]VGTRDQASQL